The following is an entry in ClinVar:

ClinVar aggregate classification (germline): Conflicting classifications of pathogenicity. Review status: criteria provided, conflicting classifications (1 of 4 stars). 5 submissions from 5 submitters: Uncertain significance (2); Likely benign (3). Last evaluated 2025-10-30.

Conditions:
Inborn genetic diseases. Identifiers: MedGen C0950123, MeSH D030342.
OTOGL-related disorder. Also called: OTOGL-related condition.

Allele frequency attached by ClinVar (database versions not stated): gnomAD exomes 0.00013; 1000 Genomes Project 0.00020; ExAC 0.00021; 1000 Genomes Project 30x 0.00031; gnomAD 0.00043 and 0.00049; TOPMed 0.00065; ESP Exome Variant Server 0.00076.
gnomAD v4.1: 141 of 1,591,536 alleles (0.0089%); highest among the groups gnomAD compares: African/African-American, 0.14%; 1 homozygote.

Submissions (5):

GeneDx
Classification: Uncertain significance. Last evaluated: 2025-10-30. Review status: criteria provided, single submitter. Criteria: GeneDx Variant Classification Process June 2021. Collection method: clinical testing. Allele origin: germline.
Comment: In silico analysis supports that this missense variant has a deleterious effect on protein structure/function; Has not been previously published as pathogenic or benign to our knowledge

CeGaT Center for Human Genetics Tuebingen
Classification: Likely benign. Last evaluated: 2025-09-01. Review status: criteria provided, single submitter. Criteria: CeGaT Center For Human Genetics Tuebingen Variant Classification Criteria Version 2. Collection method: clinical testing. Allele origin: germline. Affected: yes. Observed: 1 variant allele.
Comment: OTOGL: BP4

PreventionGenetics, part of Exact Sciences
Classification: Likely benign for OTOGL-related condition. Last evaluated: 2025-05-01. Review status: criteria provided, single submitter. Criteria: ACMG Guidelines, 2015. Collection method: clinical testing. Allele origin: germline.
Comment: This variant is classified as likely benign based on ACMG/AMP sequence variant interpretation guidelines (Richards et al. 2015 PMID: 25741868, with internal and published modifications).

Ambry Genetics
Classification: Likely benign for Inborn genetic diseases. Last evaluated: 2023-02-28. Review status: criteria provided, single submitter. Criteria: Ambry Variant Classification Scheme 2023. Collection method: clinical testing. Allele origin: germline.

Labcorp Genetics (formerly Invitae), Labcorp
Classification: Uncertain significance. Last evaluated: 2022-03-02. Review status: criteria provided, single submitter. Criteria: Invitae Variant Classification Sherloc (09022015). Collection method: clinical testing. Allele origin: germline.
Comment: In summary, the available evidence is currently insufficient to determine the role of this variant in disease. Therefore, it has been classified as a Variant of Uncertain Significance. Algorithms developed to predict the effect of missense changes on protein structure and function are either unavailable or do not agree on the potential impact of this missense change (SIFT: "Deleterious"; PolyPhen-2: "Probably Damaging"; Align-GVGD: "Class C0"). This variant has not been reported in the literature in individuals affected with OTOGL-related conditions. This variant is present in population databases (rs370683806, gnomAD 0.2%). This sequence change replaces arginine, which is basic and polar, with tryptophan, which is neutral and slightly polar, at codon 1526 of the OTOGL protein (p.Arg1526Trp).

NM_001378609.3(OTOGL):c.4603C>T (p.Arg1535Trp)

Gene: OTOGL (otogelin like; plus strand). Cytogenetic location: 12q21.31.
Variant type: single nucleotide variant.
Coding change: c.4603C>T on transcript NM_001378609.3 (MANE Select); coding-DNA position 4603, C replaced by T.
Protein change: p.Arg1535Trp; replaces arginine 1535 with tryptophan.
Molecular consequence: missense variant.
Genome position (GRCh38, 1-based): chr12:80,336,415, C>T. VCF-style: chr12-80336415-C-T. GRCh37 (hg19) VCF-style: chr12-80730195-C-T.
Other names: c.4576C>T (NM_173591.3); c.4468C>T, p.Arg1490Trp (NM_001368062.3); c.4603C>T, p.Arg1535Trp (NM_001378610.3, NM_173591.7); short protein forms R1490W, R1535W.
Identifiers: ClinVar variation 1372006 (VCV001372006.19), dbSNP rs370683806, ClinGen allele CA6701454.